The following is an entry in ClinVar:

NM_001042545.2(LTBP4):c.457dup (p.Val153fs)

Gene: LTBP4 (latent transforming growth factor beta binding protein 4; plus strand). Cytogenetic location: 19q13.2.
Variant type: Duplication.
Coding change: c.457dup on transcript NM_001042545.2 (MANE Select); coding-DNA position 457, one base duplicated (G; older notation c.457dupG).
Protein change: p.Val153fs; shifts the reading frame from valine 153.
Molecular consequence: frameshift variant.
Genome position (GRCh38, 1-based): chr19:40,605,419, G duplicated; the last of 2 consecutive G bases (chr19:40,605,418-40,605,419); duplicating either gives the same sequence. VCF-style (leftmost placement, unchanged base first): chr19-40605417-T-TG. GRCh37 (hg19) VCF-style: chr19-41111323-T-TG.
Other names: c.658dup, p.Val220fs (NM_001042544.1); c.547dup, p.Val183fs (NM_003573.2); short protein forms V153fs, V183fs, V220fs.
Identifiers: ClinVar variation 4728570 (VCV004728570.1).

ClinVar aggregate classification (germline): Pathogenic (1 of 4 stars; one submission).

Submission:

Labcorp Genetics (formerly Invitae), Labcorp
Classification: Pathogenic. Last evaluated: 2025-10-06. Review status: criteria provided, single submitter. Criteria: Invitae Variant Classification Sherloc (09022015). Collection method: clinical testing. Allele origin: germline.
Comment: This sequence change creates a premature translational stop signal (p.Val183Glyfs*31) in the LTBP4 gene. It is expected to result in an absent or disrupted protein product. Loss-of-function variants in LTBP4 are known to be pathogenic (PMID: 19836010, 22829427). This variant is not present in population databases (gnomAD no frequency). This variant has not been reported in the literature in individuals affected with LTBP4-related conditions. For these reasons, this variant has been classified as Pathogenic.

Literature cited by the submitters: PubMed 19836010; PubMed 22829427.